The following is an entry in ClinVar:

NC_000003.12:g.(?_149139994)_(149172232_?)del

Genes: CP (ceruloplasmin; minus strand), HPS3 (HPS3 biogenesis of lysosomal organelles complex 2 subunit 1; plus strand). Cytogenetic location: 3q24.
Variant type: Deletion.
Identifiers: ClinVar variation 831910 (VCV000831910.6).

ClinVar aggregate classification (germline): Likely pathogenic (1 of 4 stars; one submission).

Submission:

Labcorp Genetics (formerly Invitae), Labcorp
Classification: Likely pathogenic. Last evaluated: 2021-08-04. Review status: criteria provided, single submitter. Criteria: Invitae Variant Classification Sherloc (09022015). Collection method: clinical testing. Allele origin: germline.
Comment: This variant is a gross deletion of the genomic region encompassing exon(s) 2-17 of the HPS3 gene. The 5' boundary is likely confined to intron 1. The 3' end of this event is unknown as it extends through the termination codon beyond the assayed region for this gene and may encompass additional genes. While this deletion is not anticipated to lead to nonsense mediated decay, it is expected to alter mRNA translation or result in a truncated protein product. This variant has not been reported in the literature in individuals affected with HPS3-related conditions. This variant disrupts the p.Arg397 amino acid residue in HPS3. Other variant(s) that disrupt this residue have been determined to be pathogenic (PMID: 11590544, 27593200). This suggests that this residue is clinically significant, and that variants that disrupt this residue are likely to be disease-causing. In summary, the currently available evidence indicates that the variant is pathogenic, but additional data are needed to prove that conclusively. Therefore, this variant has been classified as Likely Pathogenic.

Literature cited by the submitters: PubMed 11590544; PubMed 27593200.